The following is an entry in ClinVar:

ClinVar aggregate classification (germline): Pathogenic (0 of 4 stars; one submission).

Conditions:
Polycystic kidney disease. Also called: Kidney, Polycystic; Polycystic kidney dysplasia. Identifiers: MedGen C0022680, MeSH D007690, MONDO:0020642, HP:0000113.

Submission:

Department of Pathology and Laboratory Medicine, Sinai Health System
Classification: Pathogenic for Polycystic Kidney disease. Review status: no assertion criteria provided. Collection method: clinical testing. Allele origin: unknown. Affected: yes. Observed: 1 variant allele. Study: The Canadian Open Genetics Repository (COGR).
Comment: The PKD1 c.12445-2A>C variant was not identified in the literature nor was it identified in the Clinvitae, ClinVar, GeneInsight COGR, MutDB, ADPKD Mutation, PKD1-LOVD, and PKD1-LOVD 3.0 databases. Furthermore, the variant was not listed in the 1000 Genomes Project, the Exome Aggregation Consortium (August 8, 2016) and NHLBI GO Exome Sequencing projects nor was it identified in dbSNP. The c.12445-2A>C variant is predicted to cause abnormal splicing because the nucleotide substitution occurs in the invariant region of the splice consensus sequence. In addition, 5 of 5 in silico or computational prediction software programs (SpliceSiteFinder, MaxEntScan, NNSPLICE, GeneSplicer, HumanSpliceFinder) predict a greater than 10% difference in splicing, predicting the loss of the 3â€šÃ„Ã´ splice site in intron 45. In summary, based on the above information, this variant meets our laboratoryâ€šÃ„Ã´s criteria to be classified as pathogenic.

NM_001009944.3(PKD1):c.12445-2A>C

Genes: MIR1225 (microRNA 1225; minus strand), PKD1 (polycystin 1, transient receptor potential channel interacting; minus strand). Cytogenetic location: 16p13.3.
Variant type: single nucleotide variant.
Coding change: c.12445-2A>C on transcript NM_001009944.3 (MANE Select); the canonical splice acceptor site of the intron before coding-DNA position 12445, A replaced by C.
Molecular consequence: splice acceptor variant. On other transcripts: non-coding transcript variant (1).
Genome position (GRCh38, 1-based): chr16:2,090,196, T>G on the plus strand (A>C on the coding strand, the complement: PKD1 is on the minus strand). VCF-style: chr16-2090196-T-G. GRCh37 (hg19) VCF-style: chr16-2140197-T-G.
Other names: c.12442-2A>C (NM_000296.4).
Identifiers: ClinVar variation 434008 (VCV000434008.3), dbSNP rs1555444334, ClinGen allele CA394322960.